The following is an entry in ClinVar:

NM_138459.5(NUS1):c.74G>A (p.Trp25Ter)

Gene: NUS1 (NUS1 dehydrodolichyl diphosphate synthase subunit; plus strand). Cytogenetic location: 6q22.1.
Variant type: single nucleotide variant.
Coding change: c.74G>A on transcript NM_138459.5 (MANE Select); coding-DNA position 74, G replaced by A.
Protein change: p.Trp25Ter; replaces tryptophan 25 with a stop codon.
Molecular consequence: nonsense.
Genome position (GRCh38, 1-based): chr6:117,675,744, G>A. VCF-style: chr6-117675744-G-A. GRCh37 (hg19) VCF-style: chr6-117996907-G-A.
Other names: short protein forms W25*.
Identifiers: ClinVar variation 935535 (VCV000935535.7), dbSNP rs1772963498, ClinGen allele CA365535839.

ClinVar aggregate classification (germline): Pathogenic (1 of 4 stars; one submission).

Conditions:
Congenital disorder of glycosylation, type Iaa. Also called: Congenital disorder of glycosylation, type 1aa. Identifiers: MedGen C4310727, MONDO:0014904, OMIM 617082.

Submission:

Labcorp Genetics (formerly Invitae), Labcorp
Classification: Pathogenic for Congenital disorder of glycosylation, type Iaa. Last evaluated: 2019-09-11. Review status: criteria provided, single submitter. Criteria: Invitae Variant Classification Sherloc (09022015). Collection method: clinical testing. Allele origin: germline.
Comment: Loss-of-function variants in NUS1 are known to be pathogenic (PMID: 29100083). For these reasons, this variant has been classified as Pathogenic. Algorithms developed to predict the effect of sequence changes on RNA splicing suggest that this variant may create or strengthen a splice site, but this prediction has not been confirmed by published transcriptional studies. This variant has not been reported in the literature in individuals with NUS1-related conditions. The frequency data for this variant in the population databases is considered unreliable, as metrics indicate insufficient coverage at this position in the ExAC database. This sequence change creates a premature translational stop signal (p.Trp25*) in the NUS1 gene. It is expected to result in an absent or disrupted protein product.

Literature cited by the submitters: PubMed 29100083.